The following is an entry in ClinVar:

ClinVar aggregate classification (germline): Uncertain significance (1 of 4 stars; one submission).

Conditions:
Gastrointestinal stromal tumor. Also called: Gastrointestinal stromal tumor, somatic; Gastrointestinal stroma tumor. Identifiers: Orphanet 44890, MedGen C0238198, MeSH D046152, MONDO:0011719, OMIM 606764, HP:0100723.

Submission:

Labcorp Genetics (formerly Invitae), Labcorp
Classification: Uncertain significance for Gastrointestinal stromal tumor. Last evaluated: 2023-05-22. Review status: criteria provided, single submitter. Criteria: Invitae Variant Classification Sherloc (09022015). Collection method: clinical testing. Allele origin: germline.
Comment: In summary, the available evidence is currently insufficient to determine the role of this variant in disease. Therefore, it has been classified as a Variant of Uncertain Significance. Algorithms developed to predict the effect of sequence changes on RNA splicing suggest that this variant may disrupt the consensus splice site. This variant has not been reported in the literature in individuals affected with PDGFRA-related conditions. This variant is not present in population databases (gnomAD no frequency). This sequence change affects an acceptor splice site in intron 7 of the PDGFRA gene. It is expected to disrupt RNA splicing. Variants that disrupt the donor or acceptor splice site typically lead to a loss of protein function (PMID: 16199547), however the current clinical and genetic evidence is not sufficient to establish whether loss-of-function variants in PDGFRA cause disease.

Literature cited by the submitters: PubMed 16199547.

NM_006206.6(PDGFRA):c.1122-2A>C

Gene: PDGFRA (platelet derived growth factor receptor alpha; plus strand). Cytogenetic location: 4q12.
Variant type: single nucleotide variant.
Coding change: c.1122-2A>C on transcript NM_006206.6 (MANE Select); the canonical splice acceptor site of the intron before coding-DNA position 1122, A replaced by C.
Molecular consequence: splice acceptor variant.
Genome position (GRCh38, 1-based): chr4:54,270,631, A>C. VCF-style: chr4-54270631-A-C. GRCh37 (hg19) VCF-style: chr4-55136798-A-C.
Other names: c.1197-2A>C (NM_001347828.2); c.1122-2A>C (NM_001347827.2, NM_001347829.2); c.1161-2A>C (NM_001347830.2).
Identifiers: ClinVar variation 2866787 (VCV002866787.3), dbSNP rs2110279174, ClinGen allele CA356891856.
Genomic context (GRCh38, chr4:54,270,631, plus strand): 5'-TGTTTAAACAATTGGAACTTACTTAGCTACTGCTTGTTGAAACAAAATCCTTTTTTTAAA[A>C]GGTATCGAAGCAAATTAAAGCTGATCCGTGCTAAGGAAGAAGACAGTGGCCATTATACTA-3'